The following is an entry in ClinVar:

NM_004320.6(ATP2A1):c.2149G>T (p.Gly717Cys)

Gene: ATP2A1 (ATPase sarcoplasmic/endoplasmic reticulum Ca2+ transporting 1; plus strand). Cytogenetic location: 16p11.2.
Variant type: single nucleotide variant.
Coding change: c.2149G>T on transcript NM_004320.6 (MANE Select); coding-DNA position 2149, G replaced by T.
Protein change: p.Gly717Cys; replaces glycine 717 with cysteine.
Molecular consequence: missense variant.
Genome position (GRCh38, 1-based): chr16:28,901,911, G>T. VCF-style: chr16-28901911-G-T. GRCh37 (hg19) VCF-style: chr16-28913232-G-T.
Other names: c.1774G>T, p.Gly592Cys (NM_001286075.2); c.2149G>T, p.Gly717Cys (NM_173201.5); short protein forms G592C, G717C.
Identifiers: ClinVar variation 3252912 (VCV003252912.1), dbSNP rs369026695.
Genomic context (GRCh38, chr16:28,901,911, plus strand): 5'-CTCCTCCCTCAGACAGGTGATGGCGTCAATGACGCCCCTGCCCTGAAGAAGGCTGAGATT[G>T]GCATTGCCATGGGATCTGGCACTGCCGTGGCCAAGACTGCCTCTGAGATGGTGCTGGCTG-3'
Protein context (NP_004311.1, residues 707-727): DAPALKKAEI[Gly717Cys]IAMGSGTAVA

ClinVar aggregate classification (germline): Uncertain significance (1 of 4 stars; one submission).

Allele frequency attached by ClinVar (database versions not stated): gnomAD exomes below 0.00001; TOPMed below 0.00001; gnomAD 0.00001; ExAC 0.00002; ESP Exome Variant Server 0.00008.
gnomAD v4.1: 5 of 1,614,112 alleles (0.00031%); highest among the groups gnomAD compares: Non-Finnish European, 0.00042%; no homozygotes.

Submission:

GeneDx
Classification: Uncertain significance. Last evaluated: 2023-06-08. Review status: criteria provided, single submitter. Criteria: GeneDx Variant Classification Process June 2021. Collection method: clinical testing. Allele origin: germline. Affected: yes.
Comment: Not observed at significant frequency in large population cohorts (gnomAD); In silico analysis supports that this missense variant has a deleterious effect on protein structure/function; Has not been previously published as pathogenic or benign to our knowledge